The following is an entry in ClinVar:

ClinVar aggregate classification (germline): Uncertain significance (1 of 4 stars; one submission).

gnomAD v4.1: 1 of 1,613,596 alleles (0.000062%); highest among the groups gnomAD compares: Non-Finnish European, 0.000085%; no homozygotes.

Submission:

Ambry Genetics
Classification: Uncertain significance. Last evaluated: 2025-11-04. Review status: criteria provided, single submitter. Criteria: Ambry Variant Classification Scheme 2023. Collection method: clinical testing. Allele origin: germline.
Comment: The p.T567I variant (also known as c.1700C>T), located in coding exon 9 of the PALLD gene, results from a C to T substitution at nucleotide position 1700. The threonine at codon 567 is replaced by isoleucine, an amino acid with similar properties. This amino acid position is conserved. In addition, the in silico prediction for this alteration is inconclusive. Based on the available evidence, the clinical significance of this variant remains unclear.

NM_001166108.2(PALLD):c.3212C>T (p.Thr1071Ile)

Genes: CBR4 (carbonyl reductase 4; minus strand), PALLD (palladin, cytoskeletal associated protein; plus strand). Cytogenetic location: 4q32.3.
Variant type: single nucleotide variant.
Coding change: c.3212C>T on transcript NM_001166108.2 (MANE Select); coding-DNA position 3212, C replaced by T.
Protein change: p.Thr1071Ile; replaces threonine 1071 with isoleucine.
Molecular consequence: missense variant.
Genome position (GRCh38, 1-based): chr4:168,924,408, C>T. VCF-style: chr4-168924408-C-T. GRCh37 (hg19) VCF-style: chr4-169845559-C-T.
Other names: c.2015C>T, p.Thr672Ile (NM_001166109.2); c.1700C>T, p.Thr567Ile (NM_001166110.2); c.1040C>T, p.Thr347Ile (NM_001367567.1, NM_001367569.1); c.1091C>T, p.Thr364Ile (NM_001367568.1, NM_001367570.1); c.3161C>T, p.Thr1054Ile (NM_016081.4); short protein forms T1054I, T347I, T567I, T1071I, T364I, T672I.
Identifiers: ClinVar variation 4564171 (VCV004564171.1).
Genomic context (GRCh38, chr4:168,924,408, plus strand): 5'-TGGGAGTGCCACCACCTCAGATATTTTGGAAGAAAGAAAATGAATCACTCACTCACAGCA[C>T]TGACCGAGTGAGGTAAGACTGCACAATGAGAACCTGATCCTTAACTGTTCAGTCCTAATG-3'
Protein context (NP_001159580.1, residues 1061-1081): KKENESLTHS[Thr1071Ile]DRVSMHQDNH